The following is an entry in ClinVar:

ClinVar aggregate classification (germline): Conflicting classifications of pathogenicity. Review status: criteria provided, conflicting classifications (1 of 4 stars). 4 submissions from 4 submitters: Uncertain significance (3); Likely benign (1). Last evaluated 2024-06-14.

Conditions:
Inborn genetic diseases. Identifiers: MedGen C0950123, MeSH D030342.
Nemaline myopathy 2 (NEM2). Also called: Nemaline myopathy 2, autosomal recessive. Identifiers: MedGen C1850569, MONDO:0009725, OMIM 256030.

Allele frequency attached by ClinVar (database versions not stated): gnomAD 0.00001; ExAC 0.00004; ESP Exome Variant Server 0.00008.
gnomAD v4.1: 24 of 1,597,652 alleles (0.0015%); highest among the groups gnomAD compares: Admixed American, 0.0034%; no homozygotes.

Submissions (4):

GeneDx
Classification: Uncertain significance. Last evaluated: 2024-06-14. Review status: criteria provided, single submitter. Criteria: GeneDx Variant Classification Process June 2021. Collection method: clinical testing. Allele origin: germline. Affected: yes.
Comment: Not observed at significant frequency in large population cohorts (gnomAD); In silico analysis supports that this missense variant has a deleterious effect on protein structure/function; Has not been previously published as pathogenic or benign to our knowledge

Labcorp Genetics (formerly Invitae), Labcorp
Classification: Likely benign for Nemaline myopathy 2. Last evaluated: 2023-10-16. Review status: criteria provided, single submitter. Criteria: Invitae Variant Classification Sherloc (09022015). Collection method: clinical testing. Allele origin: germline.

Ambry Genetics
Classification: Uncertain significance for Inborn genetic diseases. Last evaluated: 2022-12-19. Review status: criteria provided, single submitter. Criteria: Ambry Variant Classification Scheme 2023. Collection method: clinical testing. Allele origin: germline.

Revvity Omics, Revvity
Classification: Uncertain significance. Last evaluated: 2019-03-08. Review status: criteria provided, single submitter. Criteria: ACMG Guidelines, 2015. Collection method: clinical testing. Allele origin: germline.

NM_001164508.2(NEB):c.21859C>T (p.Arg7287Trp)

Genes: NEB (nebulin; minus strand), RIF1 (replication timing regulatory factor 1; plus strand). Cytogenetic location: 2q23.3.
Variant type: single nucleotide variant.
Coding change: c.21859C>T on transcript NM_001164508.2 (MANE Select); coding-DNA position 21859, C replaced by T.
Protein change: p.Arg7287Trp; replaces arginine 7287 with tryptophan.
Molecular consequence: missense variant.
Genome position (GRCh38, 1-based): chr2:151,527,004, G>A on the plus strand (C>T on the coding strand, the complement: NEB is on the minus strand). VCF-style: chr2-151527004-G-A. GRCh37 (hg19) VCF-style: chr2-152383518-G-A.
Other names: c.21859C>T, p.Arg7287Trp (NM_001164507.2); c.21964C>T, p.Arg7322Trp (NM_001271208.2); c.16756C>T, p.Arg5586Trp (NM_004543.5); short protein forms R7287W, R5586W, R7322W.
Identifiers: ClinVar variation 2337296 (VCV002337296.9), dbSNP rs376072545, ClinGen allele CA1906850.